The following is an entry in ClinVar:

ClinVar aggregate classification (germline): Likely benign. Review status: criteria provided, multiple submitters, no conflicts (2 of 4 stars). 2 submissions from 2 submitters: Likely benign (2). Last evaluated 2025-12-30.

Conditions:
Neurodegeneration with brain iron accumulation 6 (NBIA6). Also called: COASY protein-associated neurodegeneration. Identifiers: Orphanet 397725, MedGen C4517377, MONDO:0014290, OMIM 615643.

Allele frequency attached by ClinVar (database versions not stated): ExAC 0.00001; gnomAD exomes 0.00002 and 0.00003; gnomAD 0.00004 and 0.00005; TOPMed 0.00008.
gnomAD v4.1: 53 of 1,557,174 alleles (0.0034%); highest among the groups gnomAD compares: Admixed American, 0.01%; no homozygotes.

Submissions (2):

Labcorp Genetics (formerly Invitae), Labcorp
Classification: Likely benign for Neurodegeneration with brain iron accumulation 6. Last evaluated: 2025-12-30. Review status: criteria provided, single submitter. Criteria: Invitae Variant Classification Sherloc (09022015). Collection method: clinical testing. Allele origin: germline.

GeneDx
Classification: Likely benign. Last evaluated: 2017-10-05. Review status: criteria provided, single submitter. Criteria: GeneDx Variant Classification (06012015). Collection method: clinical testing. Allele origin: germline. Affected: yes.
Comment: This variant is considered likely benign or benign based on one or more of the following criteria: it is a conservative change, it occurs at a poorly conserved position in the protein, it is predicted to be benign by multiple in silico algorithms, and/or has population frequency not consistent with disease.

NM_025233.7(COASY):c.1149G>A (p.Ala383=)

Gene: COASY (Coenzyme A synthase; plus strand). Cytogenetic location: 17q21.2.
Variant type: single nucleotide variant.
Coding change: c.1149G>A on transcript NM_025233.7 (MANE Select); coding-DNA position 1149, G replaced by A.
Protein change: p.Ala383=; no amino-acid change (alanine 383 retained).
Molecular consequence: synonymous variant.
Genome position (GRCh38, 1-based): chr17:42,564,810, G>A. VCF-style: chr17-42564810-G-A. GRCh37 (hg19) VCF-style: chr17-40716828-G-A.
Other names: c.1149G>A, p.Ala383= (NM_001042529.3); c.1236G>A, p.Ala412= (NM_001042532.4).
Identifiers: ClinVar variation 512134 (VCV000512134.10), dbSNP rs775259112, ClinGen allele CA8578210.
Genomic context (GRCh38, chr17:42,564,810, plus strand): 5'-GACTGGCATCAGTGGCTCTGGGAAGAGCTCAATAGCTCAGCGACTGAAGGGCCTGGGGGC[G>A]TTTGTCATTGACAGTGACCACCTGGGTCATCGGGCCTATGCCCCAGGTGGCCCTGCCTAC-3'
Protein context (NP_079509.5, residues 373-393): SIAQRLKGLG[Ala383=]FVIDSDHLGH